The following is an entry in ClinVar:

ClinVar aggregate classification (germline): Conflicting classifications of pathogenicity. Review status: criteria provided, conflicting classifications (1 of 4 stars). 5 submissions from 5 submitters: Uncertain significance (2); Likely benign (3). Last evaluated 2026-09-22.

Conditions:
Leukocyte adhesion deficiency type II. Also called: CONGENITAL DISORDER OF GLYCOSYLATION, TYPE IIc; CDG IIc; Congenital disorder of glycosylation type 2C; CDG 2C; Leukocyte adhesion deficiency type 2; Rambam Hasharon syndrome. Identifiers: Orphanet 2968, Orphanet 99843, MedGen C0398739, MONDO:0009953, OMIM 266265.
SLC35C1-related disorder. Also called: SLC35C1-related condition.
Inborn genetic diseases. Identifiers: MedGen C0950123, MeSH D030342.

Allele frequency attached by ClinVar (database versions not stated): ESP Exome Variant Server 0.00038; 1000 Genomes Project 0.00040; 1000 Genomes Project 30x 0.00047; gnomAD 0.00066 and 0.00073; TOPMed 0.00077.
gnomAD v4.1: 230 of 1,612,792 alleles (0.014%); highest among the groups gnomAD compares: African/African-American, 0.22%; no homozygotes.

Submissions (5):

PreventionGenetics, part of Exact Sciences
Classification: Likely benign for SLC35C1-related condition. Last evaluated: 2026-09-22. Review status: criteria provided, single submitter. Criteria: ACMG Guidelines, 2015. Collection method: clinical testing. Allele origin: germline.
Comment: This variant is classified as likely benign based on ACMG/AMP sequence variant interpretation guidelines (Richards et al. 2015 PMID: 25741868, with internal and published modifications).

Labcorp Genetics (formerly Invitae), Labcorp
Classification: Likely benign for Leukocyte adhesion deficiency type II. Last evaluated: 2026-01-26. Review status: criteria provided, single submitter. Criteria: Invitae Variant Classification Sherloc (09022015). Collection method: clinical testing. Allele origin: germline.

Ambry Genetics
Classification: Likely benign for Inborn genetic diseases. Last evaluated: 2023-11-15. Review status: criteria provided, single submitter. Criteria: Ambry Variant Classification Scheme 2023. Collection method: clinical testing. Allele origin: germline.

Baylor Genetics
Classification: Uncertain significance for Leukocyte adhesion deficiency type II. Last evaluated: 2018-08-09. Review status: criteria provided, single submitter. Criteria: ACMG Guidelines, 2015. Collection method: clinical testing. Allele origin: unknown. Affected: yes.
Comment: This variant was determined to be of uncertain significance according to ACMG Guidelines, 2015 [PMID:25741868].

Illumina Laboratory Services, Illumina
Classification: Uncertain significance for Leukocyte adhesion deficiency type II. Last evaluated: 2018-01-13. Review status: criteria provided, single submitter. Criteria: ICSL Variant Classification Criteria 13 December 2019. Collection method: clinical testing. Allele origin: germline.

NM_018389.5(SLC35C1):c.748G>A (p.Gly250Arg)

Gene: SLC35C1 (solute carrier family 35 member C1; plus strand). Cytogenetic location: 11p11.2.
Variant type: single nucleotide variant.
Coding change: c.748G>A on transcript NM_018389.5 (MANE Select); coding-DNA position 748, G replaced by A.
Protein change: p.Gly250Arg; replaces glycine 250 with arginine.
Molecular consequence: missense variant.
Genome position (GRCh38, 1-based): chr11:45,810,988, G>A. VCF-style: chr11-45810988-G-A. GRCh37 (hg19) VCF-style: chr11-45832539-G-A.
Other names: c.709G>A, p.Gly237Arg (NM_001145265.2, NM_001145266.2); short protein forms G250R, G237R.
Identifiers: ClinVar variation 304742 (VCV000304742.19), dbSNP rs148606857, ClinGen allele CA5958324.